The following is an entry in ClinVar:

NM_153676.4(USH1C):c.901C>T (p.Arg301Trp)

Gene: USH1C (USH1 protein network component harmonin; minus strand). Cytogenetic location: 11p15.1.
Variant type: single nucleotide variant.
Coding change: c.901C>T on transcript NM_153676.4 (MANE Select); coding-DNA position 901, C replaced by T.
Protein change: p.Arg301Trp; replaces arginine 301 with tryptophan.
Molecular consequence: missense variant. On other transcripts: non-coding transcript variant (1).
Genome position (GRCh38, 1-based): chr11:17,522,902, G>A on the plus strand (C>T on the coding strand, the complement: USH1C is on the minus strand). VCF-style: chr11-17522902-G-A. GRCh37 (hg19) VCF-style: chr11-17544449-G-A.
Other names: c.844C>T, p.Arg282Trp (NM_001297764.2); c.901C>T, p.Arg301Trp (NM_005709.4); short protein forms R282W, R301W.
Identifiers: ClinVar variation 972616 (VCV000972616.8), dbSNP rs574790229, ClinGen allele CA5904797.
Genomic context (GRCh38, chr11:17,522,902, plus strand): 5'-TCTGCATGAGAAGCTCCTGCCGCTGCAGCTCACGCTGCCGCGCCTCTGCCAGCCGCTCCC[G>A]GTCTGTCATGAACAGCTCCCGGCCCTCATGGGAGAAAAGAGGCCCCTTGCTCAGCCCCCG-3'
Protein context (NP_710142.1, residues 291-311): AAGRELFMTD[Arg301Trp]ERLAEARQRE

ClinVar aggregate classification (germline): Uncertain significance. Review status: criteria provided, multiple submitters, no conflicts (2 of 4 stars). 3 submissions from 3 submitters: Uncertain significance (2). 1 of the submissions does not count toward it. Last evaluated 2024-10-26.

Conditions:
Usher syndrome type 1C. Also called: USHER SYNDROME, TYPE I, ACADIAN VARIETY. Identifiers: Orphanet 231169, Orphanet 886, MedGen C1848604, MONDO:0010171, OMIM 276904.

Allele frequency attached by ClinVar (database versions not stated): TOPMed 0.00003.

Submissions (3):

Labcorp Genetics (formerly Invitae), Labcorp
Classification: Uncertain significance. Last evaluated: 2024-10-26. Review status: criteria provided, single submitter. Criteria: Invitae Variant Classification Sherloc (09022015). Collection method: clinical testing. Allele origin: germline.
Comment: This sequence change replaces arginine, which is basic and polar, with tryptophan, which is neutral and slightly polar, at codon 301 of the USH1C protein (p.Arg301Trp). This variant is present in population databases (rs574790229, gnomAD 0.02%). This variant has not been reported in the literature in individuals affected with USH1C-related conditions. ClinVar contains an entry for this variant (Variation ID: 972616). An algorithm developed to predict the effect of missense changes on protein structure and function (PolyPhen-2) suggests that this variant is likely to be disruptive. In summary, the available evidence is currently insufficient to determine the role of this variant in disease. Therefore, it has been classified as a Variant of Uncertain Significance.

GeneDx
Classification: Uncertain significance. Last evaluated: 2021-07-22. Review status: criteria provided, single submitter. Criteria: GeneDx Variant Classification Process June 2021. Collection method: clinical testing. Allele origin: germline. Affected: yes.
Comment: In silico analysis supports that this missense variant has a deleterious effect on protein structure/function; Has not been previously published as pathogenic or benign to our knowledge; In-silico analysis is inconclusive as to whether the variant alters gene splicing. In the absence of RNA/functional studies, the actual effect of this sequence change is unknown.

Natera, Inc.
Classification: Uncertain significance for Usher syndrome type 1C. Last evaluated: 2020-02-26. Review status: no assertion criteria provided. Collection method: clinical testing. Allele origin: germline. Not counted in ClinVar's aggregate classification.